The following is an entry in ClinVar:

ClinVar aggregate classification (germline): Uncertain significance (1 of 4 stars; one submission).

Submission:

GeneDx
Classification: Uncertain significance. Last evaluated: 2025-03-13. Review status: criteria provided, single submitter. Criteria: GeneDx Variant Classification Process June 2021. Collection method: clinical testing. Allele origin: germline. Affected: yes.
Comment: Not observed at significant frequency in large population cohorts (gnomAD); In silico analysis indicates that this missense variant does not alter protein structure/function; Has not been previously published as pathogenic or benign to our knowledge

NM_015981.4(CAMK2A):c.1318A>G (p.Ile440Val)

Gene: CAMK2A (calcium/calmodulin dependent protein kinase II alpha; minus strand). Cytogenetic location: 5q32.
Variant type: single nucleotide variant.
Coding change: c.1318A>G on transcript NM_015981.4 (MANE Select); coding-DNA position 1318, A replaced by G.
Protein change: p.Ile440Val; replaces isoleucine 440 with valine.
Molecular consequence: missense variant.
Genome position (GRCh38, 1-based): chr5:150,223,137, T>C on the plus strand (A>G on the coding strand, the complement: CAMK2A is on the minus strand). VCF-style: chr5-150223137-T-C. GRCh37 (hg19) VCF-style: chr5-149602700-T-C.
Other names: c.1318A>G, p.Ile440Val (NM_001363989.1); c.1285A>G, p.Ile429Val (NM_001363990.1, NM_001369025.2, NM_171825.3); short protein forms I429V, I440V.
Identifiers: ClinVar variation 4083353 (VCV004083353.1).